The following is an entry in ClinVar:

NM_001369.3(DNAH5):c.3777G>A (p.Ala1259=)

Genes: DNAH5 (dynein axonemal heavy chain 5; minus strand), DNAH5-AS1 (DNAH5 antisense RNA 1; plus strand). Cytogenetic location: 5p15.2.
Variant type: single nucleotide variant.
Coding change: c.3777G>A on transcript NM_001369.3 (MANE Select); coding-DNA position 3777, G replaced by A.
Protein change: p.Ala1259=; no amino-acid change (alanine 1259 retained).
Molecular consequence: synonymous variant.
Genome position (GRCh38, 1-based): chr5:13,870,824, C>T on the plus strand (G>A on the coding strand, the complement: DNAH5 is on the minus strand). VCF-style: chr5-13870824-C-T. GRCh37 (hg19) VCF-style: chr5-13870933-C-T.
Identifiers: ClinVar variation 258021 (VCV000258021.29), dbSNP rs144893234, ClinGen allele CA3204177.

ClinVar aggregate classification (germline): Conflicting classifications of pathogenicity. Review status: criteria provided, conflicting classifications (1 of 4 stars). 7 submissions from 7 submitters: Uncertain significance (1); Likely benign (5). 1 of the submissions does not count toward it. Last evaluated 2026-01-24.

Conditions:
Primary ciliary dyskinesia. Also called: Ciliary dyskinesia. Identifiers: Orphanet 244, MedGen C0008780, MONDO:0016575, HP:0012265.
Primary ciliary dyskinesia 3. Identifiers: Orphanet 244, MedGen C1837618, MONDO:0012085, OMIM 608644.

Allele frequency attached by ClinVar (database versions not stated): gnomAD exomes 0.00015; ExAC 0.00016; ESP Exome Variant Server 0.00031; gnomAD 0.00050 and 0.00052; TOPMed 0.00060; 1000 Genomes Project 30x 0.00109; 1000 Genomes Project 0.00120.
gnomAD v4.1: 174 of 1,613,834 alleles (0.011%); highest among the groups gnomAD compares: African/African-American, 0.19%; no homozygotes.

Submissions (7):

Labcorp Genetics (formerly Invitae), Labcorp
Classification: Likely benign for Primary ciliary dyskinesia. Last evaluated: 2026-01-24. Review status: criteria provided, single submitter. Criteria: Invitae Variant Classification Sherloc (09022015). Collection method: clinical testing. Allele origin: germline.

CeGaT Center for Human Genetics Tuebingen
Classification: Likely benign. Last evaluated: 2025-06-01. Review status: criteria provided, single submitter. Criteria: CeGaT Center For Human Genetics Tuebingen Variant Classification Criteria Version 2. Collection method: clinical testing. Allele origin: germline. Affected: yes. Observed: 1 variant allele.
Comment: DNAH5: BP4, BP7

Blueprint Genetics
Classification: Likely benign. Last evaluated: 2022-07-15. Review status: criteria provided, single submitter. Criteria: ACMG Guidelines, 2015. Collection method: clinical testing. Allele origin: germline.

Ambry Genetics
Classification: Likely benign for Primary ciliary dyskinesia. Last evaluated: 2022-07-06. Review status: criteria provided, single submitter. Criteria: Ambry Variant Classification Scheme 2023. Collection method: clinical testing. Allele origin: germline.

Illumina Laboratory Services, Illumina
Classification: Uncertain significance for Primary ciliary dyskinesia 3. Last evaluated: 2018-01-13. Review status: criteria provided, single submitter. Criteria: ICSL Variant Classification Criteria 13 December 2019. Collection method: clinical testing. Allele origin: germline.

PreventionGenetics, part of Exact Sciences
Classification: Likely benign. Review status: criteria provided, single submitter. Criteria: ACMG Guidelines, 2015. Collection method: clinical testing. Allele origin: germline.

Natera, Inc.
Classification: Uncertain significance for Primary ciliary dyskinesia. Last evaluated: 2020-01-24. Review status: no assertion criteria provided. Collection method: clinical testing. Allele origin: germline. Not counted in ClinVar's aggregate classification.